The following is an entry in ClinVar:

ClinVar aggregate classification (germline): Uncertain significance (1 of 4 stars; one submission).

Conditions:
Oto-palato-digital syndrome, type II (OPD2). Also called: Otopalatodigital Syndrome Type 2 (FLNA-OPD2); FACIOPALATOOSSEOUS SYNDROME; OPD II SYNDROME; Otopalatodigital Syndrome, Type II. Identifiers: Orphanet 669, Orphanet 90652, MedGen C1844696, MONDO:0010571, OMIM 304120.
Heterotopia, periventricular, X-linked dominant (PVNH1). Also called: PERIVENTRICULAR NODULAR HETEROTOPIA 1; X-linked periventricular heterotopia; PERIVENTRICULAR NODULAR HETEROTOPIA 4; HETEROTOPIA, PERIVENTRICULAR, 1. Identifiers: Orphanet 2149, Orphanet 82004, MedGen C1848213, MONDO:0010233, OMIM 300049.
Melnick-Needles syndrome (MNS). Also called: Melnick-Needles Syndrome (FLNA-MNS); MELNICK-NEEDLES OSTEODYSPLASTY; OSTEODYSPLASTY OF MELNICK AND NEEDLES. Identifiers: Orphanet 2484, MedGen C0025237, MONDO:0010650, OMIM 309350.
Frontometaphyseal dysplasia (FMD1). Identifiers: Orphanet 1826, MedGen C0265293, MONDO:0015942.

Submission:

Labcorp Genetics (formerly Invitae), Labcorp
Classification: Uncertain significance for Oto-palato-digital syndrome, type II; Heterotopia, periventricular, X-linked dominant; Frontometaphyseal dysplasia; Melnick-Needles syndrome. Last evaluated: 2025-04-21. Review status: criteria provided, single submitter. Criteria: Invitae Variant Classification Sherloc (09022015). Collection method: clinical testing. Allele origin: germline.
Comment: This sequence change replaces alanine, which is neutral and non-polar, with serine, which is neutral and polar, at codon 15 of the FLNA protein (p.Ala15Ser). This variant is not present in population databases (gnomAD no frequency). This variant has not been reported in the literature in individuals affected with FLNA-related conditions. ClinVar contains an entry for this variant (Variation ID: 2925002). Invitae Evidence Modeling of protein sequence and biophysical properties (such as structural, functional, and spatial information, amino acid conservation, physicochemical variation, residue mobility, and thermodynamic stability) indicates that this missense variant is not expected to disrupt FLNA protein function with a negative predictive value of 95%. In summary, the available evidence is currently insufficient to determine the role of this variant in disease. Therefore, it has been classified as a Variant of Uncertain Significance.

NM_001110556.2(FLNA):c.43G>T (p.Ala15Ser)

Gene: FLNA (filamin A; minus strand). Cytogenetic location: Xq28.
Variant type: single nucleotide variant.
Coding change: c.43G>T on transcript NM_001110556.2 (MANE Select); coding-DNA position 43, G replaced by T.
Protein change: p.Ala15Ser; replaces alanine 15 with serine.
Molecular consequence: missense variant.
Genome position (GRCh38, 1-based): chrX:154,371,203, C>A on the plus strand (G>T on the coding strand, the complement: FLNA is on the minus strand). VCF-style: chrX-154371203-C-A. GRCh37 (hg19) VCF-style: chrX-153599571-C-A.
Other names: c.43G>T, p.Ala15Ser (NM_001456.4); short protein forms A15S.
Identifiers: ClinVar variation 2925002 (VCV002925002.3), dbSNP rs782034946, ClinGen allele CA415255822.